The following is an entry in ClinVar:

NM_001384125.1(BLTP1):c.3046G>A (p.Gly1016Ser)

Gene: BLTP1 (bridge-like lipid transfer protein family member 1; plus strand). Cytogenetic location: 4q27.
Variant type: single nucleotide variant.
Coding change: c.3046G>A on transcript NM_001384125.1 (MANE Select); coding-DNA position 3046, G replaced by A.
Protein change: p.Gly1016Ser; replaces glycine 1016 with serine.
Molecular consequence: missense variant.
Genome position (GRCh38, 1-based): chr4:122,229,934, G>A. VCF-style: chr4-122229934-G-A. GRCh37 (hg19) VCF-style: chr4-123151089-G-A.
Other names: c.3046G>A, p.Gly1016Ser (NM_015312.4); short protein forms G1016S.
Identifiers: ClinVar variation 1064575 (VCV001064575.5), dbSNP rs186329526, ClinGen allele CA3066070.

ClinVar aggregate classification (germline): Uncertain significance. Review status: criteria provided, multiple submitters, no conflicts (2 of 4 stars). 3 submissions from 3 submitters: Uncertain significance (3). Last evaluated 2023-03-17.

Conditions:
Alkuraya-Kucinskas syndrome. Identifiers: Orphanet 610569, MedGen C4693347, MONDO:0060631, OMIM 617822.

Allele frequency attached by ClinVar (database versions not stated): 1000 Genomes Project 30x 0.00016; 1000 Genomes Project 0.00020; gnomAD 0.00028 and 0.00032; gnomAD exomes 0.00028 and 0.00030; ExAC 0.00030; TOPMed 0.00034; ESP Exome Variant Server 0.00042.
gnomAD v4.1: 473 of 1,608,728 alleles (0.029%); highest among the groups gnomAD compares: Admixed American, 0.053%; 1 homozygote.

Submissions (3):

Ambry Genetics
Classification: Uncertain significance. Last evaluated: 2023-03-17. Review status: criteria provided, single submitter. Criteria: Ambry Variant Classification Scheme 2023. Collection method: clinical testing. Allele origin: germline.

UNC Molecular Genetics  Laboratory, University of North Carolina at Chapel Hill
Classification: Uncertain significance for Alkuraya-Kucinskas syndrome. Last evaluated: 2021-02-01. Review status: criteria provided, single submitter. Criteria: ACMG Guidelines, 2015. Collection method: research. Allele origin: germline. Observed: 1 variant allele. Study: CSER_NCGENES.
Comment: The KIAA1109 c.3046G>A (p.Gly1016Ser) is a missense variant that changes a single amino acid in the encoded protein from glycine to serine. This variant is present in unselected individuals in the general population with a global minor allele frequency of 0.0276% (77/279,004 alleles, 0 homozygotes). To our knowledge, this variant has not been previously reported in affected individuals in the literature. The resulting amino acid change has conflicting predictions of pathogenicity by in silico tools and the effect on protein function is unknown. Without additional clinical or functional evidence, this variant is considered a variant of uncertain significance.

Dubai Health Genomic Medicine Center, Dubai Health
Classification: Uncertain significance for Alkuraya-Kucinskas syndrome. Last evaluated: 2020-10-05. Review status: criteria provided, single submitter. Criteria: ACMG Guidelines, 2015. Collection method: clinical testing. Allele origin: germline. Affected: yes.
Comment: The p.Gly1016Ser missense variant in KIAA1109 has not been previously reported in affected individuals but was identified in 51/127564 (0.04% 0 homozygotes) European Non Finnish alleles in the Genome Aggregation Database (gnomAD). Computational prediction tools and conservation analysis suggest a possible impact to protein function though this information is not predictive enough to confirm pathogenicity. In summary more information is needed to determine the clinical significance of this variant.